The following is an entry in ClinVar:

NM_005445.4(SMC3):c.2782C>A (p.Arg928=)

Gene: SMC3 (structural maintenance of chromosomes 3; plus strand). Cytogenetic location: 10q25.2.
Variant type: single nucleotide variant.
Coding change: c.2782C>A on transcript NM_005445.4 (MANE Select); coding-DNA position 2782, C replaced by A.
Protein change: p.Arg928=; no amino-acid change (arginine 928 retained).
Molecular consequence: synonymous variant.
Genome position (GRCh38, 1-based): chr10:110,601,774, C>A. VCF-style: chr10-110601774-C-A. GRCh37 (hg19) VCF-style: chr10-112361532-C-A.
Identifiers: ClinVar variation 774048 (VCV000774048.14), dbSNP rs202034783, ClinGen allele CA5688282.

ClinVar aggregate classification (germline): Likely benign. Review status: criteria provided, multiple submitters, no conflicts (2 of 4 stars). 4 submissions from 4 submitters: Likely benign (3). 1 of the submissions does not count toward it. Last evaluated 2026-01-23.

Conditions:
Cornelia de Lange syndrome 3 (CDLS3). Also called: SMC3-Related Cornelia de Lange Syndrome; CORNELIA DE LANGE SYNDROME 3 WITH OR WITHOUT MIDLINE BRAIN DEFECTS. Identifiers: Orphanet 199, MedGen C1853099, MONDO:0012555, OMIM 610759.
SMC3-related disorder. Also called: SMC3-related condition.

Allele frequency attached by ClinVar (database versions not stated): ESP Exome Variant Server 0.00008; gnomAD 0.00011 and 0.00010; TOPMed 0.00015; ExAC 0.00011.
gnomAD v4.1: 157 of 1,613,582 alleles (0.0097%); highest among the groups gnomAD compares: Middle Eastern, 0.13%; 1 homozygote.

Submissions (4):

Labcorp Genetics (formerly Invitae), Labcorp
Classification: Likely benign for Cornelia de Lange syndrome 3. Last evaluated: 2026-01-23. Review status: criteria provided, single submitter. Criteria: Invitae Variant Classification Sherloc (09022015). Collection method: clinical testing. Allele origin: germline.

Blueprint Genetics
Classification: Likely benign. Last evaluated: 2024-01-19. Review status: criteria provided, single submitter. Criteria: ACMG Guidelines, 2015. Collection method: clinical testing. Allele origin: germline.

Illumina Laboratory Services, Illumina
Classification: Likely benign for Cornelia de Lange syndrome 3. Last evaluated: 2018-01-13. Review status: criteria provided, single submitter. Criteria: ICSL Variant Classification Criteria 13 December 2019. Collection method: clinical testing. Allele origin: germline.
Comment: This variant was observed in the ICSL laboratory as part of a predisposition screen in an ostensibly healthy population. It had not been previously curated by ICSL or reported in the Human Gene Mutation Database (HGMD: prior to June 1st, 2018), and was therefore a candidate for classification through an automated scoring system. Utilizing variant allele frequency, disease prevalence and penetrance estimates, and inheritance mode, an automated score was calculated to assess if this variant is too frequent to cause the disease. Based on the score and internal cut-off values, a variant classified as likely benign is not then subjected to further curation. The score for this variant resulted in a classification of likely benign for this disease.

PreventionGenetics, part of Exact Sciences
Classification: Likely benign for SMC3-related condition. Last evaluated: 2020-03-10. Review status: no assertion criteria provided. Collection method: clinical testing. Allele origin: germline. Not counted in ClinVar's aggregate classification.
Comment: This variant is classified as likely benign based on ACMG/AMP sequence variant interpretation guidelines (Richards et al. 2015 PMID: 25741868, with internal and published modifications).